The following is an entry in ClinVar:

NM_182706.5(SCRIB):c.1487G>A (p.Cys496Tyr)

Gene: SCRIB (scribble planar cell polarity protein; minus strand). Cytogenetic location: 8q24.3.
Variant type: single nucleotide variant.
Coding change: c.1487G>A on transcript NM_182706.5 (MANE Select); coding-DNA position 1487, G replaced by A.
Protein change: p.Cys496Tyr; replaces cysteine 496 with tyrosine.
Molecular consequence: missense variant.
Genome position (GRCh38, 1-based): chr8:143,810,522, C>T on the plus strand (G>A on the coding strand, the complement: SCRIB is on the minus strand). VCF-style: chr8-143810522-C-T. GRCh37 (hg19) VCF-style: chr8-144892692-C-T.
Other names: c.1487G>A, p.Cys496Tyr (NM_015356.5); short protein forms C496Y.
Identifiers: ClinVar variation 2658915 (VCV002658915.24), dbSNP rs141568749, ClinGen allele CA187610679.
Genomic context (GRCh38, chr8:143,810,522, plus strand): 5'-CGTGGCTCCATGCCCACCTCCTCTGCAGGCAAGGGCGACCCAGAGTCTGGCTGGCAAGGG[C>T]AGGCCTCGCTCCGCCGCCCCTCGATGCTCCTCTTCATCACCTTGAGCTCGCTGGGGTGAG-3'
Protein context (NP_874365.3, residues 486-506): RSIEGRRSEA[Cys496Tyr]PCQPDSGSPL

ClinVar aggregate classification (germline): Likely benign (1 of 4 stars; one submission).

Allele frequency attached by ClinVar (database versions not stated): gnomAD exomes 0.00004; ExAC 0.00012; 1000 Genomes Project 30x 0.00016; 1000 Genomes Project 0.00020; ESP Exome Variant Server 0.00023; gnomAD 0.00038; TOPMed 0.00051.
gnomAD v4.1: 111 of 1,612,644 alleles (0.0069%); highest among the groups gnomAD compares: African/African-American, 0.14%; no homozygotes.

Submission:

CeGaT Center for Human Genetics Tuebingen
Classification: Likely benign. Last evaluated: 2023-02-01. Review status: criteria provided, single submitter. Criteria: CeGaT Center For Human Genetics Tuebingen Variant Classification Criteria Version 2. Collection method: clinical testing. Allele origin: germline. Affected: yes. Observed: 1 variant allele.
Comment: SCRIB: BP4